The following is an entry in ClinVar:

ClinVar aggregate classification (germline): Pathogenic (1 of 4 stars; one submission).

Conditions:
Granulomatous disease, chronic, X-linked. Also called: GRANULOMATOUS DISEASE, CHRONIC, X-LINKED, SOMATIC MOSAIC; CYTOCHROME b-NEGATIVE GRANULOMATOUS DISEASE, CHRONIC, X-LINKED. Identifiers: Orphanet 379, MedGen C1844376, MONDO:0010600, OMIM 306400.

Submission:

Labcorp Genetics (formerly Invitae), Labcorp
Classification: Pathogenic for Granulomatous disease, chronic, X-linked. Last evaluated: 2025-09-27. Review status: criteria provided, single submitter. Criteria: Invitae Variant Classification Sherloc (09022015). Collection method: clinical testing. Allele origin: germline.
Comment: This sequence change creates a premature translational stop signal (p.Ser235Phefs*5) in the CYBB gene. It is expected to result in an absent or disrupted protein product. Loss-of-function variants in CYBB are known to be pathogenic (PMID: 9585602, 20729109). This variant is not present in population databases (gnomAD no frequency). This premature translational stop signal has been observed in individuals with chronic granulomatous disease (PMID: 8634410, 29560547). This variant is also known as AG(710-717). For these reasons, this variant has been classified as Pathogenic.

Literature cited by the submitters: PubMed 9585602; PubMed 20729109; PubMed 8634410; PubMed 29560547.

NM_000397.4(CYBB):c.703_704del (p.Ser235fs)

Gene: CYBB (cytochrome b-245 beta chain; plus strand). Cytogenetic location: Xp21.1.
Variant type: Microsatellite.
Coding change: c.703_704del on transcript NM_000397.4 (MANE Select); coding-DNA positions 703 to 704, 2 bases deleted (AG; older notation c.703_704delAG).
Protein change: p.Ser235fs; shifts the reading frame from serine 235.
Molecular consequence: frameshift variant.
Genome position (GRCh38, 1-based): chrX:37,798,983-37,798,984, AG deleted; deleting any 2 consecutive bases within chrX:37,798,979-37,798,984 gives the same sequence; the c. name uses the placement nearest the transcript's 3' end. VCF-style (leftmost placement, unchanged base first): chrX-37798978-CAG-C. GRCh37 (hg19) VCF-style: chrX-37658231-CAG-C.
Other names: short protein forms S235fs.
Identifiers: ClinVar variation 2737187 (VCV002737187.3), dbSNP rs2519204472, ClinGen allele CA2695233090.